The following is an entry in ClinVar:

ClinVar aggregate classification (germline): Likely pathogenic (1 of 4 stars; one submission).

Conditions:
Combined immunodeficiency due to DOCK8 deficiency (HIES2). Also called: HYPER-IgE SYNDROME 2, AUTOSOMAL RECESSIVE, WITH RECURRENT INFECTIONS; DOCK8 Deficiency; HIES autosomal recessive; Hyper-IgE recurrent infection syndrome, autosomal recessive; HYPER-IgE RECURRENT INFECTION SYNDROME 2, AUTOSOMAL RECESSIVE. Identifiers: Orphanet 217390, MedGen C4722305, MONDO:0009478, OMIM 243700.

Submission:

First Genomix Gene Laboratory, Genetic Diagnostics Department
Classification: Likely pathogenic for Combined immunodeficiency due to DOCK8 deficiency. Last evaluated: 2025-12-28. Review status: criteria provided, single submitter. Criteria: ACMG Guidelines, 2015. Collection method: clinical testing. Allele origin: germline. Inheritance: Autosomal recessive inheritance. Affected: no. Observed: 1 variant allele.

NM_203447.4(DOCK8):c.3607_3608del (p.Val1203fs)

Gene: DOCK8 (dedicator of cytokinesis 8; plus strand). Cytogenetic location: 9p24.3.
Variant type: Microsatellite.
Coding change: c.3607_3608del on transcript NM_203447.4 (MANE Select); coding-DNA positions 3607 to 3608, 2 bases deleted (GT; older notation c.3607_3608delGT).
Protein change: p.Val1203fs; shifts the reading frame from valine 1203.
Molecular consequence: frameshift variant.
Genome position (GRCh38, 1-based): chr9:414,858-414,859, GT deleted; deleting any 2 consecutive bases within chr9:414,855-414,859 gives the same sequence; the c. name uses the placement nearest the transcript's 3' end. VCF-style (leftmost placement, unchanged base first): chr9-414854-CTG-C. GRCh37 (hg19) VCF-style: chr9-414854-CTG-C.
Other names: c.3307_3308del, p.Val1103fs (NM_001190458.2); c.3403_3404del, p.Val1135fs (NM_001193536.2); short protein forms V1103fs, V1135fs, V1203fs.
Identifiers: ClinVar variation 4850620 (VCV004850620.1).